The following is an entry in ClinVar:

NM_001854.4(COL11A1):c.1137C>T (p.Gly379=)

Gene: COL11A1 (collagen type XI alpha 1 chain; minus strand). Cytogenetic location: 1p21.1.
Variant type: single nucleotide variant.
Coding change: c.1137C>T on transcript NM_001854.4 (MANE Select); coding-DNA position 1137, C replaced by T.
Protein change: p.Gly379=; no amino-acid change (glycine 379 retained).
Molecular consequence: synonymous variant. On other transcripts: non-coding transcript variant (1), intron variant (1).
Genome position (GRCh38, 1-based): chr1:103,022,850, G>A on the plus strand (C>T on the coding strand, the complement: COL11A1 is on the minus strand). VCF-style: chr1-103022850-G-A. GRCh37 (hg19) VCF-style: chr1-103488406-G-A.
Other names: c.1137C>T (NM_001854.3); c.1020C>T, p.Gly340= (NM_001190709.2); c.1173C>T, p.Gly391= (NM_080629.3); c.898-1081C>T (NM_080630.4).
Identifiers: ClinVar variation 1469427 (VCV001469427.9), dbSNP rs745798103, ClinGen allele CA975111.

ClinVar aggregate classification (germline): Benign/Likely benign. Review status: criteria provided, multiple submitters, no conflicts (2 of 4 stars). 2 submissions from 2 submitters: Benign (1); Likely benign (1). Last evaluated 2025-10-04.

Conditions:
COL11A1-related disorder. Also called: COL11A1-related condition; COL11A1-related disorders.

Allele frequency attached by ClinVar (database versions not stated): ExAC 0.00001; gnomAD exomes 0.00003.
gnomAD v4.1: 47 of 1,613,566 alleles (0.0029%); highest among the groups gnomAD compares: South Asian, 0.016%; no homozygotes.

Submissions (2):

Labcorp Genetics (formerly Invitae), Labcorp
Classification: Benign. Last evaluated: 2025-10-04. Review status: criteria provided, single submitter. Criteria: Invitae Variant Classification Sherloc (09022015). Collection method: clinical testing. Allele origin: germline.

PreventionGenetics, part of Exact Sciences
Classification: Likely benign for COL11A1-related condition. Last evaluated: 2025-05-23. Review status: criteria provided, single submitter. Criteria: ACMG Guidelines, 2015. Collection method: clinical testing. Allele origin: germline.
Comment: This variant is classified as likely benign based on ACMG/AMP sequence variant interpretation guidelines (Richards et al. 2015 PMID: 25741868, with internal and published modifications).